The following is an entry in ClinVar:

NM_006767.4(LZTR1):c.1324T>C (p.Phe442Leu)

Gene: LZTR1 (leucine zipper like post translational regulator 1; plus strand). Cytogenetic location: 22q11.21.
Variant type: single nucleotide variant.
Coding change: c.1324T>C on transcript NM_006767.4 (MANE Select); coding-DNA position 1324, T replaced by C.
Protein change: p.Phe442Leu; replaces phenylalanine 442 with leucine.
Molecular consequence: missense variant.
Genome position (GRCh38, 1-based): chr22:20,993,725, T>C. VCF-style: chr22-20993725-T-C. GRCh37 (hg19) VCF-style: chr22-21348014-T-C.
Other names: c.1324T>C (NM_006767.3); short protein forms F442L.
Identifiers: ClinVar variation 2114806 (VCV002114806.5), dbSNP rs2518620026, ClinGen allele CA410774592.

ClinVar aggregate classification (germline): Uncertain significance. Review status: criteria provided, multiple submitters, no conflicts (2 of 4 stars). 2 submissions from 2 submitters: Uncertain significance (2). Last evaluated 2025-10-07.

Conditions:
Cardiovascular phenotype. Identifiers: MedGen CN230736.
Hereditary cancer-predisposing syndrome. Also called: Neoplastic Syndromes, Hereditary; Tumor predisposition; Hereditary Cancer Syndrome; Hereditary neoplastic syndrome. Identifiers: Orphanet 140162, MedGen C0027672, MeSH D009386, MONDO:0015356.

Submissions (2):

Labcorp Genetics (formerly Invitae), Labcorp
Classification: Uncertain significance. Last evaluated: 2025-10-07. Review status: criteria provided, single submitter. Criteria: Invitae Variant Classification Sherloc (09022015). Collection method: clinical testing. Allele origin: germline.
Comment: This sequence change replaces phenylalanine, which is neutral and non-polar, with leucine, which is neutral and non-polar, at codon 442 of the LZTR1 protein (p.Phe442Leu). This variant is not present in population databases (gnomAD no frequency). This variant has not been reported in the literature in individuals affected with LZTR1-related conditions. ClinVar contains an entry for this variant (Variation ID: 2114806). Invitae Evidence Modeling of protein sequence and biophysical properties (such as structural, functional, and spatial information, amino acid conservation, physicochemical variation, residue mobility, and thermodynamic stability) indicates that this missense variant is not expected to disrupt LZTR1 protein function with a negative predictive value of 80%. In summary, the available evidence is currently insufficient to determine the role of this variant in disease. Therefore, it has been classified as a Variant of Uncertain Significance.

Ambry Genetics
Classification: Uncertain significance for Cardiovascular phenotype; Hereditary cancer-predisposing syndrome. Last evaluated: 2024-12-14. Review status: criteria provided, single submitter. Criteria: Ambry Variant Classification Scheme 2023. Collection method: clinical testing. Allele origin: germline.
Comment: The p.F442L variant (also known as c.1324T>C), located in coding exon 12 of the LZTR1 gene, results from a T to C substitution at nucleotide position 1324. The phenylalanine at codon 442 is replaced by leucine, an amino acid with highly similar properties. This amino acid position is conserved. In addition, this alteration is predicted to be tolerated by in silico analysis. Based on the available evidence, the clinical significance of this variant remains unclear.